The following is an entry in ClinVar:

NM_001322934.2(NFKB2):c.1988C>T (p.Ala663Val)

Gene: NFKB2 (nuclear factor kappa B subunit 2; plus strand). Cytogenetic location: 10q24.32.
Variant type: single nucleotide variant.
Coding change: c.1988C>T on transcript NM_001322934.2 (MANE Select); coding-DNA position 1988, C replaced by T.
Protein change: p.Ala663Val; replaces alanine 663 with valine.
Molecular consequence: missense variant.
Genome position (GRCh38, 1-based): chr10:102,400,966, C>T. VCF-style: chr10-102400966-C-T. GRCh37 (hg19) VCF-style: chr10-104160723-C-T.
Other names: c.1988C>T, p.Ala663Val (NM_001077493.1, NM_001077494.3, NM_001261403.3 and 2 more transcripts); c.1862C>T, p.Ala621Val (NM_001322935.1); short protein forms A621V, A663V.
Identifiers: ClinVar variation 1993312 (VCV001993312.4), dbSNP rs2544599024, ClinGen allele CA377903747.

ClinVar aggregate classification (germline): Uncertain significance (1 of 4 stars; one submission).

Conditions:
Immunodeficiency, common variable, 10. Also called: DEFICIT IN ANTERIOR PITUITARY FUNCTION AND VARIABLE IMMUNODEFICIENCY; IMMUNODEFICIENCY, COMMON VARIABLE, WITH CENTRAL ADRENAL INSUFFICIENCY. Identifiers: MedGen C3809991, MONDO:0014260, OMIM 615577.

Submission:

Labcorp Genetics (formerly Invitae), Labcorp
Classification: Uncertain significance for Immunodeficiency, common variable, 10. Last evaluated: 2023-08-04. Review status: criteria provided, single submitter. Criteria: Invitae Variant Classification Sherloc (09022015). Collection method: clinical testing. Allele origin: germline.
Comment: This sequence change replaces alanine, which is neutral and non-polar, with valine, which is neutral and non-polar, at codon 663 of the NFKB2 protein (p.Ala663Val). This variant is not present in population databases (gnomAD no frequency). This variant has not been reported in the literature in individuals affected with NFKB2-related conditions. ClinVar contains an entry for this variant (Variation ID: 1993312). An algorithm developed to predict the effect of missense changes on protein structure and function (PolyPhen-2) suggests that this variant is likely to be tolerated. In summary, the available evidence is currently insufficient to determine the role of this variant in disease. Therefore, it has been classified as a Variant of Uncertain Significance.